The following is an entry in ClinVar:

ClinVar aggregate classification (germline): Uncertain significance. Review status: criteria provided, multiple submitters, no conflicts (2 of 4 stars). 2 submissions from 2 submitters: Uncertain significance (2). Last evaluated 2025-10-28.

Conditions:
Inborn genetic diseases. Identifiers: MedGen C0950123, MeSH D030342.

Allele frequency attached by ClinVar (database versions not stated): gnomAD exomes 0.00001 and 0.00002.
gnomAD v4.1: 11 of 1,613,858 alleles (0.00068%); highest among the groups gnomAD compares: South Asian, 0.012%; no homozygotes.

Submissions (2):

Ambry Genetics
Classification: Uncertain significance for Inborn genetic diseases. Last evaluated: 2025-10-28. Review status: criteria provided, single submitter. Criteria: Ambry Variant Classification Scheme 2023. Collection method: clinical testing. Allele origin: germline.

Labcorp Genetics (formerly Invitae), Labcorp
Classification: Uncertain significance. Last evaluated: 2021-02-09. Review status: criteria provided, single submitter. Criteria: Invitae Variant Classification Sherloc (09022015). Collection method: clinical testing. Allele origin: germline.
Comment: Algorithms developed to predict the effect of missense changes on protein structure and function are either unavailable or do not agree on the potential impact of this missense change (SIFT: "Tolerated"; PolyPhen-2: "Benign"; Align-GVGD: "Class C0"). This variant has not been reported in the literature in individuals with LZTFL1-related conditions. This variant is not present in population databases (ExAC no frequency). This sequence change replaces leucine with phenylalanine at codon 208 of the LZTFL1 protein (p.Leu208Phe). The leucine residue is moderately conserved and there is a small physicochemical difference between leucine and phenylalanine. In summary, the available evidence is currently insufficient to determine the role of this variant in disease. Therefore, it has been classified as a Variant of Uncertain Significance.

NM_020347.4(LZTFL1):c.624A>C (p.Leu208Phe)

Gene: LZTFL1 (leucine zipper transcription factor like 1; minus strand). Cytogenetic location: 3p21.31.
Variant type: single nucleotide variant.
Coding change: c.624A>C on transcript NM_020347.4 (MANE Select); coding-DNA position 624, A replaced by C.
Protein change: p.Leu208Phe; replaces leucine 208 with phenylalanine.
Molecular consequence: missense variant. On other transcripts: non-coding transcript variant (1).
Genome position (GRCh38, 1-based): chr3:45,828,592, T>G on the plus strand (A>C on the coding strand, the complement: LZTFL1 is on the minus strand). VCF-style: chr3-45828592-T-G. GRCh37 (hg19) VCF-style: chr3-45870084-T-G.
Other names: c.573A>C, p.Leu191Phe (NM_001276378.2, NM_001386451.1); c.612A>C, p.Leu204Phe (NM_001276379.2); c.624A>C, p.Leu208Phe (NM_001386452.1); c.624A>C (NM_020347.2); short protein forms L204F, L191F, L208F.
Identifiers: ClinVar variation 964027 (VCV000964027.7), dbSNP rs1559400866, ClinGen allele CA352448427.